The following is an entry in ClinVar:

NM_020975.6(RET):c.3079C>G (p.Leu1027Val)

Gene: RET (ret proto-oncogene; plus strand). Cytogenetic location: 10q11.21.
Variant type: single nucleotide variant.
Coding change: c.3079C>G on transcript NM_020975.6 (MANE Select); coding-DNA position 3079, C replaced by G.
Protein change: p.Leu1027Val; replaces leucine 1027 with valine.
Molecular consequence: missense variant.
Genome position (GRCh38, 1-based): chr10:43,126,614, C>G. VCF-style: chr10-43126614-C-G. GRCh37 (hg19) VCF-style: chr10-43622062-C-G.
Other names: c.3079C>G, p.Leu1027Val (NM_000323.2, NM_001406743.1, NM_001406744.1 and 4 more transcripts); c.2317C>G, p.Leu773Val (NM_001355216.2); c.2950C>G, p.Leu984Val (NM_001406761.1, NM_001406762.1, NM_001406764.1); c.2944C>G, p.Leu982Val (NM_001406763.1, NM_001406765.1); c.2791C>G, p.Leu931Val (NM_001406766.1, NM_001406767.1, NM_001406770.1); c.2815C>G, p.Leu939Val (NM_001406768.1); c.2683C>G, p.Leu895Val (NM_001406769.1, NM_001406772.1); c.2641C>G, p.Leu881Val (NM_001406771.1, NM_001406773.1); and 10 more; short protein forms L1027V, L773V, L632V, L688V, L881V, L931V, L982V, L544V.
Identifiers: ClinVar variation 584564 (VCV000584564.13), dbSNP rs1564501868, ClinGen allele CA376558345.

ClinVar aggregate classification (germline): Uncertain significance. Review status: criteria provided, multiple submitters, no conflicts (2 of 4 stars). 3 submissions from 3 submitters: Uncertain significance (3). Last evaluated 2023-03-21.

Conditions:
Hereditary cancer-predisposing syndrome. Also called: Neoplastic Syndromes, Hereditary; Hereditary Cancer Syndrome; Tumor predisposition; Hereditary neoplastic syndrome. Identifiers: Orphanet 140162, MedGen C0027672, MeSH D009386, MONDO:0015356.
Multiple endocrine neoplasia, type 2 (MEN2). Identifiers: Orphanet 653, MedGen C4048306, MONDO:0019003. Disease mechanism: gain of function.

Submissions (3):

Ambry Genetics
Classification: Uncertain significance for Hereditary cancer-predisposing syndrome. Last evaluated: 2023-03-21. Review status: criteria provided, single submitter. Criteria: Ambry Variant Classification Scheme 2023. Collection method: clinical testing. Allele origin: germline.
Comment: The p.L1027V variant (also known as c.3079C>G), located in coding exon 19 of the RET gene, results from a C to G substitution at nucleotide position 3079. The leucine at codon 1027 is replaced by valine, an amino acid with highly similar properties. This alteration has been reported in 1/1197 individuals from Greece, Romania, and Turkey undergoing evaluation for inherited cancer predisposition (Tsaousis GN et al. BMC Cancer, 2019 Jun;19:535). This amino acid position is highly conserved in available vertebrate species. In addition, this alteration is predicted to be tolerated by in silico analysis. Since supporting evidence is limited at this time, the clinical significance of this alteration remains unclear.

Labcorp Genetics (formerly Invitae), Labcorp
Classification: Uncertain significance for Multiple endocrine neoplasia, type 2. Last evaluated: 2022-03-19. Review status: criteria provided, single submitter. Criteria: Invitae Variant Classification Sherloc (09022015). Collection method: clinical testing. Allele origin: germline.
Comment: In summary, the available evidence is currently insufficient to determine the role of this variant in disease. Therefore, it has been classified as a Variant of Uncertain Significance. Algorithms developed to predict the effect of missense changes on protein structure and function are either unavailable or do not agree on the potential impact of this missense change (SIFT: "Deleterious"; PolyPhen-2: "Possibly Damaging"; Align-GVGD: "Class C0"). ClinVar contains an entry for this variant (Variation ID: 584564). This missense change has been observed in individual(s) with congenital anomalies of the kidney and urinary tract (PMID: 24429398). This variant is not present in population databases (gnomAD no frequency). This sequence change replaces leucine, which is neutral and non-polar, with valine, which is neutral and non-polar, at codon 1027 of the RET protein (p.Leu1027Val).

GeneKor MSA
Classification: Uncertain significance for Hereditary cancer-predisposing syndrome. Last evaluated: 2018-08-01. Review status: criteria provided, single submitter. Criteria: ACMG Guidelines, 2015. Collection method: clinical testing. Allele origin: germline. Affected: yes.

Literature cited by the submitters: PubMed 31159747 (cited by Ambry Genetics); PubMed 24429398 (cited by Labcorp Genetics (formerly Invitae), Labcorp).